The following is an entry in ClinVar:

ClinVar aggregate classification (germline): Uncertain significance (1 of 4 stars; one submission).

Conditions:
SEMA3E-related disorder. Also called: SEMA3E-related condition.

gnomAD v4.1: 14 of 1,613,838 alleles (0.00087%); highest among the groups gnomAD compares: South Asian, 0.014%; no homozygotes.

Submission:

PreventionGenetics, part of Exact Sciences
Classification: Uncertain significance for SEMA3E-related condition. Last evaluated: 2024-12-16. Review status: criteria provided, single submitter. Criteria: ACMG Guidelines, 2015. Collection method: clinical testing. Allele origin: germline.
Comment: The SEMA3E c.614G>C variant is predicted to result in the amino acid substitution p.Ser205Thr. To our knowledge, this variant has not been reported in the literature. This variant is reported in 0.016% of alleles in individuals of South Asian descent in gnomAD. Although we suspect that this variant may be benign, at this time, the clinical significance of this variant is uncertain due to the absence of conclusive functional and genetic evidence.

NM_012431.3(SEMA3E):c.614G>C (p.Ser205Thr)

Gene: SEMA3E (semaphorin 3E; minus strand). Cytogenetic location: 7q21.11.
Variant type: single nucleotide variant.
Coding change: c.614G>C on transcript NM_012431.3 (MANE Select); coding-DNA position 614, G replaced by C.
Protein change: p.Ser205Thr; replaces serine 205 with threonine.
Molecular consequence: missense variant.
Genome position (GRCh38, 1-based): chr7:83,408,424, C>G on the plus strand (G>C on the coding strand, the complement: SEMA3E is on the minus strand). VCF-style: chr7-83408424-C-G. GRCh37 (hg19) VCF-style: chr7-83037740-C-G.
Other names: c.434G>C, p.Ser145Thr (NM_001178129.2); short protein forms S205T, S145T.
Identifiers: ClinVar variation 4985093 (VCV004985093.1).